The following is an entry in ClinVar:

NM_000275.3(OCA2):c.1306C>T (p.Leu436Phe)

Gene: OCA2 (OCA2 melanosomal transmembrane protein; minus strand). Cytogenetic location: 15q13.1.
Variant type: single nucleotide variant.
Coding change: c.1306C>T on transcript NM_000275.3 (MANE Select); coding-DNA position 1306, C replaced by T.
Protein change: p.Leu436Phe; replaces leucine 436 with phenylalanine.
Molecular consequence: missense variant.
Genome position (GRCh38, 1-based): chr15:27,985,122, G>A on the plus strand (C>T on the coding strand, the complement: OCA2 is on the minus strand). VCF-style: chr15-27985122-G-A. GRCh37 (hg19) VCF-style: chr15-28230268-G-A.
Other names: c.1234C>T, p.Leu412Phe (NM_001300984.2); short protein forms L412F, L436F.
Identifiers: ClinVar variation 3361809 (VCV003361809.1).

ClinVar aggregate classification (germline): Uncertain significance (1 of 4 stars; one submission).

Submission:

GeneDx
Classification: Uncertain significance. Last evaluated: 2023-08-08. Review status: criteria provided, single submitter. Criteria: GeneDx Variant Classification Process June 2021. Collection method: clinical testing. Allele origin: germline. Affected: yes.
Comment: Not observed at significant frequency in large population cohorts (gnomAD); In silico analysis supports that this missense variant has a deleterious effect on protein structure/function; Has not been previously published as pathogenic or benign to our knowledge